The following is an entry in ClinVar:

ClinVar aggregate classification (germline): Uncertain significance. Review status: criteria provided, multiple submitters, no conflicts (2 of 4 stars). 2 submissions from 2 submitters: Uncertain significance (2). Last evaluated 2025-02-24.

Conditions:
Cardiovascular phenotype. Identifiers: MedGen CN230736.

Submissions (2):

Ambry Genetics
Classification: Uncertain significance for Cardiovascular phenotype. Last evaluated: 2025-02-24. Review status: criteria provided, single submitter. Criteria: Ambry Variant Classification Scheme 2023. Collection method: clinical testing. Allele origin: germline.
Comment: The c.4687_4689delCTCinsTTT variant (also known as p.L1563F), located in coding exon 8 of the ALPK3 gene, results from an in-frame deletion of CTC and insertion of TTT at nucleotide positions 4687 to 4689. This results in the substitution of the leucine residue for a phenylalanine residue at codon 1563, an amino acid with highly similar properties. This amino acid position is highly conserved in available vertebrate species. In addition, this alteration is predicted to be inconclusive by in silico analysis (Choi Y et al. PLoS ONE. 2012; 7(10):e46688). Based on data from gnomAD, this allele has an overall frequency of 0.003% (10/282618) total alleles studied. The highest observed frequency was 0.04% (10/24940) of African/African American alleles. Based on the available evidence, the clinical significance of this variant remains unclear.

GeneDx
Classification: Uncertain significance. Last evaluated: 2023-11-14. Review status: criteria provided, single submitter. Criteria: GeneDx Variant Classification Process June 2021. Collection method: clinical testing. Allele origin: germline. Affected: yes.
Comment: Not observed at significant frequency in large population cohorts (gnomAD); In silico analysis supports a deleterious effect on protein structure/function; Has not been previously published as pathogenic or benign to our knowledge

NM_020778.5(ALPK3):c.4081_4083delinsTTT (p.Leu1361Phe)

Gene: ALPK3 (alpha kinase 3; plus strand). Cytogenetic location: 15q25.3.
Variant type: Indel.
Coding change: c.4081_4083delinsTTT on transcript NM_020778.5 (MANE Select); coding-DNA positions 4081 to 4083, CTC replaced by TTT.
Protein change: p.Leu1361Phe; replaces leucine 1361 with phenylalanine.
Molecular consequence: missense variant.
Genome position (GRCh38, 1-based): chr15:84,859,891-84,859,893, CTC replaced by TTT. VCF-style: chr15-84859891-CTC-TTT. GRCh37 (hg19) VCF-style: chr15-85403122-CTC-TTT.
Other names: short protein forms L1361F.
Identifiers: ClinVar variation 1742422 (VCV001742422.5), dbSNP rs2505724958, ClinGen allele CA2580090161.
Genomic context (GRCh38, chr15:84,859,891, plus strand): 5'-TGCGGTGTGTATCGGTGCACCATCCACAATGAGCACGGCTCGGCCTCCACCGACTTCTGC[CTC>TTT]AGCCCTGAGGGTGAGTGTGCCCCGCGGCCCGGGGTCTCAGCCTGGCCTGGCTCCTGGTGG-3'
Protein context (NP_065829.4, residues 1351-1371): EHGSASTDFC[Leu1361Phe]SPEVLSGFIS